The following is an entry in ClinVar:

NM_021628.3(ALOXE3):c.1265C>T (p.Ala422Val)

Gene: ALOXE3 (arachidonate epidermal lipoxygenase 3; minus strand). Cytogenetic location: 17p13.1.
Variant type: single nucleotide variant.
Coding change: c.1265C>T on transcript NM_021628.3 (MANE Select); coding-DNA position 1265, C replaced by T.
Protein change: p.Ala422Val; replaces alanine 422 with valine.
Molecular consequence: missense variant.
Genome position (GRCh38, 1-based): chr17:8,110,132, G>A on the plus strand (C>T on the coding strand, the complement: ALOXE3 is on the minus strand). VCF-style: chr17-8110132-G-A. GRCh37 (hg19) VCF-style: chr17-8013450-G-A.
Other names: c.1661C>T, p.Ala554Val (NM_001165960.1); c.1262C>T, p.Ala421Val (NM_001369446.1); short protein forms A421V, A422V, A554V.
Identifiers: ClinVar variation 4681604 (VCV004681604.5).

ClinVar aggregate classification (germline): Uncertain significance (1 of 4 stars; one submission).

Submission:

CeGaT Center for Human Genetics Tuebingen
Classification: Uncertain significance. Last evaluated: 2025-12-01. Review status: criteria provided, single submitter. Criteria: CeGaT Center For Human Genetics Tuebingen Variant Classification Criteria Version 2. Collection method: clinical testing. Allele origin: germline. Affected: yes. Observed: 1 variant allele.
Comment: ALOXE3: PM2